The following is an entry in ClinVar:

NM_032785.4(AGBL4):c.594+8C>T

Gene: AGBL4 (AGBL carboxypeptidase 4; minus strand). Cytogenetic location: 1p33.
Variant type: single nucleotide variant.
Coding change: c.594+8C>T on transcript NM_032785.4 (MANE Select); 8 bases into the intron after coding-DNA position 594, C replaced by T.
Molecular consequence: intron variant.
Genome position (GRCh38, 1-based): chr1:49,045,576, G>A on the plus strand (C>T on the coding strand, the complement: AGBL4 is on the minus strand). VCF-style: chr1-49045576-G-A. GRCh37 (hg19) VCF-style: chr1-49511248-G-A.
Other names: c.594+8C>T (NM_001323575.2); c.630+8C>T (NM_001323573.2, NM_001323574.2).
Identifiers: ClinVar variation 3037739 (VCV003037739.2), dbSNP rs80256865, ClinGen allele CA845138.

ClinVar aggregate classification (germline): Benign (0 of 4 stars; one submission).

Conditions:
AGBL4-related disorder. Also called: AGBL4-related condition.

Allele frequency attached by ClinVar (database versions not stated): TOPMed 0.03931; ESP Exome Variant Server 0.04230; gnomAD 0.04333; 1000 Genomes Project 30x 0.04591; 1000 Genomes Project 0.04772; ExAC 0.07868.
gnomAD v4.1: 82,669 of 1,601,682 alleles (5.2%); highest among the groups gnomAD compares: East Asian, 9.2%; 2,327 homozygotes.

Submission:

PreventionGenetics, part of Exact Sciences
Classification: Benign for AGBL4-related condition. Last evaluated: 2019-08-08. Review status: no assertion criteria provided. Collection method: clinical testing. Allele origin: germline.
Comment: This variant is classified as benign based on ACMG/AMP sequence variant interpretation guidelines (Richards et al. 2015 PMID: 25741868, with internal and published modifications).